The following is an entry in ClinVar:

NM_020975.6(RET):c.56T>C (p.Leu19Pro)

Gene: RET (ret proto-oncogene; plus strand). Cytogenetic location: 10q11.21.
Variant type: single nucleotide variant.
Coding change: c.56T>C on transcript NM_020975.6 (MANE Select); coding-DNA position 56, T replaced by C.
Protein change: p.Leu19Pro; replaces leucine 19 with proline.
Molecular consequence: missense variant.
Genome position (GRCh38, 1-based): chr10:43,077,314, T>C. VCF-style: chr10-43077314-T-C. GRCh37 (hg19) VCF-style: chr10-43572762-T-C.
Other names: c.56T>C, p.Leu19Pro (NM_000323.2, NM_001406743.1, NM_001406744.1 and 38 more transcripts); short protein forms L19P.
Identifiers: ClinVar variation 2107657 (VCV002107657.7), dbSNP rs2132499055, ClinGen allele CA376768098.

ClinVar aggregate classification (germline): Uncertain significance. Review status: criteria provided, multiple submitters, no conflicts (2 of 4 stars). 2 submissions from 2 submitters: Uncertain significance (2). Last evaluated 2025-01-21.

Conditions:
Hereditary cancer-predisposing syndrome. Also called: Neoplastic Syndromes, Hereditary; Hereditary Cancer Syndrome; Hereditary neoplastic syndrome; Tumor predisposition. Identifiers: Orphanet 140162, MedGen C0027672, MeSH D009386, MONDO:0015356.
Multiple endocrine neoplasia, type 2 (MEN2). Identifiers: Orphanet 653, MedGen C4048306, MONDO:0019003. Disease mechanism: gain of function.

Allele frequency attached by ClinVar (database versions not stated): gnomAD exomes below 0.00001.
gnomAD v4.1: 3 of 1,511,350 alleles (0.0002%); highest among the groups gnomAD compares: South Asian, 0.0025%; no homozygotes.

Submissions (2):

Ambry Genetics
Classification: Uncertain significance for Hereditary cancer-predisposing syndrome. Last evaluated: 2025-01-21. Review status: criteria provided, single submitter. Criteria: Ambry Variant Classification Scheme 2023. Collection method: clinical testing. Allele origin: germline.
Comment: The p.L19P variant (also known as c.56T>C), located in coding exon 1 of the RET gene, results from a T to C substitution at nucleotide position 56. The leucine at codon 19 is replaced by proline, an amino acid with similar properties. This amino acid position is well conserved in available vertebrate species. In addition, the in silico prediction for this alteration is inconclusive. Based on the available evidence, the clinical significance of this variant remains unclear.

Labcorp Genetics (formerly Invitae), Labcorp
Classification: Uncertain significance for Multiple endocrine neoplasia, type 2. Last evaluated: 2022-03-12. Review status: criteria provided, single submitter. Criteria: Invitae Variant Classification Sherloc (09022015). Collection method: clinical testing. Allele origin: germline.
Comment: In summary, the available evidence is currently insufficient to determine the role of this variant in disease. Therefore, it has been classified as a Variant of Uncertain Significance. Algorithms developed to predict the effect of missense changes on protein structure and function are either unavailable or do not agree on the potential impact of this missense change (SIFT: "Tolerated"; PolyPhen-2: "Possibly Damaging"; Align-GVGD: "Class C0"). This variant has not been reported in the literature in individuals affected with RET-related conditions. This variant is not present in population databases (gnomAD no frequency). This sequence change replaces leucine, which is neutral and non-polar, with proline, which is neutral and non-polar, at codon 19 of the RET protein (p.Leu19Pro).